The following is an entry in ClinVar:

NM_005559.4(LAMA1):c.5555T>C (p.Ile1852Thr)

Gene: LAMA1 (laminin subunit alpha 1; minus strand). Cytogenetic location: 18p11.31.
Variant type: single nucleotide variant.
Coding change: c.5555T>C on transcript NM_005559.4 (MANE Select); coding-DNA position 5555, T replaced by C.
Protein change: p.Ile1852Thr; replaces isoleucine 1852 with threonine.
Molecular consequence: missense variant.
Genome position (GRCh38, 1-based): chr18:6,985,342, A>G on the plus strand (T>C on the coding strand, the complement: LAMA1 is on the minus strand). VCF-style: chr18-6985342-A-G. GRCh37 (hg19) VCF-style: chr18-6985341-A-G.
Other names: short protein forms I1852T.
Identifiers: ClinVar variation 1351206 (VCV001351206.8), dbSNP rs370467974, ClinGen allele CA295759680.

ClinVar aggregate classification (germline): Uncertain significance (1 of 4 stars; one submission).

Allele frequency attached by ClinVar (database versions not stated): gnomAD exomes 0.00001; TOPMed 0.00002; ESP Exome Variant Server 0.00008.
gnomAD v4.1: 3 of 1,614,190 alleles (0.00019%); highest among the groups gnomAD compares: Non-Finnish European, 0.00025%; no homozygotes.

Submission:

Labcorp Genetics (formerly Invitae), Labcorp
Classification: Uncertain significance. Last evaluated: 2024-10-25. Review status: criteria provided, single submitter. Criteria: Invitae Variant Classification Sherloc (09022015). Collection method: clinical testing. Allele origin: germline.
Comment: This sequence change replaces isoleucine, which is neutral and non-polar, with threonine, which is neutral and polar, at codon 1852 of the LAMA1 protein (p.Ile1852Thr). This variant is not present in population databases (gnomAD no frequency). This variant has not been reported in the literature in individuals affected with LAMA1-related conditions. ClinVar contains an entry for this variant (Variation ID: 1351206). Invitae Evidence Modeling of protein sequence and biophysical properties (such as structural, functional, and spatial information, amino acid conservation, physicochemical variation, residue mobility, and thermodynamic stability) indicates that this missense variant is not expected to disrupt LAMA1 protein function with a negative predictive value of 80%. In summary, the available evidence is currently insufficient to determine the role of this variant in disease. Therefore, it has been classified as a Variant of Uncertain Significance.